The following is an entry in ClinVar:

NM_001876.4(CPT1A):c.2001C>T (p.Leu667=)

Gene: CPT1A (carnitine palmitoyltransferase 1A; minus strand). Cytogenetic location: 11q13.3.
Variant type: single nucleotide variant.
Coding change: c.2001C>T on transcript NM_001876.4 (MANE Select); coding-DNA position 2001, C replaced by T.
Protein change: p.Leu667=; no amino-acid change (leucine 667 retained).
Molecular consequence: synonymous variant.
Genome position (GRCh38, 1-based): chr11:68,761,562, G>A on the plus strand (C>T on the coding strand, the complement: CPT1A is on the minus strand). VCF-style: chr11-68761562-G-A. GRCh37 (hg19) VCF-style: chr11-68529030-G-A.
Other names: c.2001C>T (NM_001876.3); c.2001C>T, p.Leu667= (NM_001031847.3).
Identifiers: ClinVar variation 1086126 (VCV001086126.11), dbSNP rs370172029, ClinGen allele CA6152132.

ClinVar aggregate classification (germline): Likely benign. Review status: criteria provided, single submitter (1 of 4 stars). 2 submissions from 2 submitters: Likely benign (1). 1 of the submissions does not count toward it. Last evaluated 2024-03-17.

Conditions:
CPT1A-related disorder. Also called: CPT1A-related condition.
Carnitine palmitoyl transferase 1A deficiency. Also called: Carnitine palmitoyltransferase 1A deficiency; CPT I DEFICIENCY; CPT DEFICIENCY, HEPATIC, TYPE I; Carnitine palmitoyltransferase type I deficiency; CPT deficiency, hepatic, type IA. Identifiers: Orphanet 156, MedGen C1829703, MONDO:0009705, OMIM 255120.

Allele frequency attached by ClinVar (database versions not stated): gnomAD 0.00001; ExAC 0.00002; gnomAD exomes 0.00002; TOPMed 0.00002; ESP Exome Variant Server 0.00015.
gnomAD v4.1: 14 of 1,613,948 alleles (0.00087%); highest among the groups gnomAD compares: Non-Finnish European, 0.00076%; no homozygotes.

Submissions (2):

Labcorp Genetics (formerly Invitae), Labcorp
Classification: Likely benign for Carnitine palmitoyl transferase 1A deficiency. Last evaluated: 2024-03-17. Review status: criteria provided, single submitter. Criteria: Invitae Variant Classification Sherloc (09022015). Collection method: clinical testing. Allele origin: germline.

PreventionGenetics, part of Exact Sciences
Classification: Likely benign for CPT1A-related condition. Last evaluated: 2022-05-05. Review status: no assertion criteria provided. Collection method: clinical testing. Allele origin: germline. Not counted in ClinVar's aggregate classification.
Comment: This variant is classified as likely benign based on ACMG/AMP sequence variant interpretation guidelines (Richards et al. 2015 PMID: 25741868, with internal and published modifications).